The following is an entry in ClinVar:

NM_198880.3(QRICH1):c.1517-8C>T

Gene: QRICH1 (glutamine rich 1; minus strand). Cytogenetic location: 3p21.31.
Variant type: single nucleotide variant.
Coding change: c.1517-8C>T on transcript NM_198880.3 (MANE Select); 8 bases into the intron before coding-DNA position 1517, C replaced by T.
Molecular consequence: intron variant.
Genome position (GRCh38, 1-based): chr3:49,046,587, G>A on the plus strand (C>T on the coding strand, the complement: QRICH1 is on the minus strand). VCF-style: chr3-49046587-G-A. GRCh37 (hg19) VCF-style: chr3-49084020-G-A.
Other names: c.1517-8C>T (NM_001320584.1, NM_001320585.1, NM_017730.4 and 5 more transcripts).
Identifiers: ClinVar variation 2653820 (VCV002653820.25), dbSNP rs189806139, ClinGen allele CA2391130.

ClinVar aggregate classification (germline): Likely benign. Review status: criteria provided, single submitter (1 of 4 stars). 2 submissions from 2 submitters: Likely benign (1). 1 of the submissions does not count toward it. Last evaluated 2026-01-01.

Conditions:
QRICH1-related disorder. Also called: QRICH1-related condition.

Allele frequency attached by ClinVar (database versions not stated): 1000 Genomes Project 30x 0.00031; 1000 Genomes Project 0.00040; TOPMed 0.00108; ExAC 0.00114; gnomAD 0.00127; gnomAD exomes 0.00159; ESP Exome Variant Server 0.00161.
gnomAD v4.1: 2,495 of 1,612,136 alleles (0.15%); highest among the groups gnomAD compares: Non-Finnish European, 0.18%; 5 homozygotes.

Submissions (2):

CeGaT Center for Human Genetics Tuebingen
Classification: Likely benign. Last evaluated: 2026-01-01. Review status: criteria provided, single submitter. Criteria: CeGaT Center For Human Genetics Tuebingen Variant Classification Criteria Version 2. Collection method: clinical testing. Allele origin: germline. Affected: yes. Observed: 6 variant alleles.
Comment: QRICH1: BP4, BS1

PreventionGenetics, part of Exact Sciences
Classification: Likely benign for QRICH1-related condition. Last evaluated: 2019-03-28. Review status: no assertion criteria provided. Collection method: clinical testing. Allele origin: germline. Not counted in ClinVar's aggregate classification.
Comment: This variant is classified as likely benign based on ACMG/AMP sequence variant interpretation guidelines (Richards et al. 2015 PMID: 25741868, with internal and published modifications).